The following is an entry in ClinVar:

NM_014712.3(SETD1A):c.5070CAA[1] (p.Asn1691del)

Gene: SETD1A (SET domain containing 1A, histone lysine methyltransferase; plus strand). Cytogenetic location: 16p11.2.
Variant type: Microsatellite.
Coding change: c.5070CAA[1] on transcript NM_014712.3 (MANE Select); one copy of the 3-base unit CAA starting at c.5070; the reference has two copies in a row; one copy, 3 bases deleted.
Protein change: p.Asn1691del; deletes asparagine 1691.
Molecular consequence: inframe deletion.
Genome position (GRCh38, 1-based): chr16:30,983,972-30,983,974, CAA deleted; deleting any 3 consecutive bases within chr16:30,983,968-30,983,974 gives the same sequence; the position shown is the placement nearest the transcript's 3' end. VCF-style (leftmost placement, unchanged base first): chr16-30983967-GACA-G. GRCh37 (hg19) VCF-style: chr16-30995288-GACA-G.
Other names: short protein forms N1691del.
Identifiers: ClinVar variation 5037011 (VCV005037011.1).

ClinVar aggregate classification (germline): Uncertain significance (1 of 4 stars; one submission).

Submission:

GeneDx
Classification: Uncertain significance. Last evaluated: 2026-04-12. Review status: criteria provided, single submitter. Criteria: GeneDx Variant Classification Process June 2021. Collection method: clinical testing. Allele origin: germline.
Comment: In-frame deletion of 1 amino acid(s) in a non-repeat region; Not observed at significant frequency in large population cohorts (gnomAD); In silico analysis supports a deleterious effect on protein structure/function; Has not been previously published as pathogenic or benign to our knowledge